The following is an entry in ClinVar:

NM_000059.4(BRCA2):c.739A>G (p.Ile247Val)

Gene: BRCA2 (BRCA2 DNA repair associated; plus strand). Cytogenetic location: 13q13.1.
Variant type: single nucleotide variant.
Coding change: c.739A>G on transcript NM_000059.4 (MANE Select); coding-DNA position 739, A replaced by G.
Protein change: p.Ile247Val; replaces isoleucine 247 with valine.
Molecular consequence: missense variant.
Genome position (GRCh38, 1-based): chr13:32,330,976, A>G. VCF-style: chr13-32330976-A-G. GRCh37 (hg19) VCF-style: chr13-32905113-A-G.
Other names: short protein forms I247V.
Identifiers: ClinVar variation 481547 (VCV000481547.10), dbSNP rs1169190081, ClinGen allele CA387760056.

ClinVar aggregate classification (germline): Conflicting classifications of pathogenicity. Review status: criteria provided, conflicting classifications (1 of 4 stars). 4 submissions from 4 submitters: Uncertain significance (3); Likely benign (1). Last evaluated 2024-07-01.

Conditions:
Hereditary cancer-predisposing syndrome. Also called: Neoplastic Syndromes, Hereditary; Tumor predisposition; Hereditary Cancer Syndrome; Hereditary neoplastic syndrome. Identifiers: Orphanet 140162, MedGen C0027672, MeSH D009386, MONDO:0015356.
Hereditary breast ovarian cancer syndrome. Also called: Hereditary breast and ovarian cancer syndrome; Hereditary breast and ovarian cancer; Hereditary breast and ovarian cancer syndrome (HBOC); Breast and ovarian cancer; Hereditary breast and/or ovarian cancer syndrome; BRCA1- and BRCA2-Associated Hereditary Breast and Ovarian Cancer. Identifiers: Orphanet 145, MedGen C0677776, MeSH D061325, MONDO:0003582. Disease mechanism: loss of function.
Breast and/or ovarian cancer. Identifiers: MedGen CN221562.

Allele frequency attached by ClinVar (database versions not stated): TOPMed 0.00001.

Submissions (4):

Labcorp Genetics (formerly Invitae), Labcorp
Classification: Uncertain significance for Hereditary breast ovarian cancer syndrome. Last evaluated: 2024-07-01. Review status: criteria provided, single submitter. Criteria: Invitae Variant Classification Sherloc (09022015). Collection method: clinical testing. Allele origin: germline.
Comment: This sequence change replaces isoleucine, which is neutral and non-polar, with valine, which is neutral and non-polar, at codon 247 of the BRCA2 protein (p.Ile247Val). This variant is not present in population databases (gnomAD no frequency). This variant has not been reported in the literature in individuals affected with BRCA2-related conditions. ClinVar contains an entry for this variant (Variation ID: 481547). Advanced modeling of protein sequence and biophysical properties (such as structural, functional, and spatial information, amino acid conservation, physicochemical variation, residue mobility, and thermodynamic stability) performed at Invitae indicates that this missense variant is not expected to disrupt BRCA2 protein function with a negative predictive value of 95%. In summary, the available evidence is currently insufficient to determine the role of this variant in disease. Therefore, it has been classified as a Variant of Uncertain Significance.

Ambry Genetics
Classification: Likely benign for Hereditary cancer-predisposing syndrome. Last evaluated: 2023-12-15. Review status: criteria provided, single submitter. Criteria: Ambry Variant Classification Scheme 2023. Collection method: clinical testing. Allele origin: germline.

CHEO Genetics Diagnostic Laboratory, Children's Hospital of Eastern Ontario
Classification: Uncertain significance for Breast and/or ovarian cancer. Last evaluated: 2023-05-23. Review status: criteria provided, single submitter. Criteria: ACMG Guidelines, 2015. Collection method: clinical testing. Allele origin: germline.

Color Diagnostics, LLC DBA Color Health
Classification: Uncertain significance for Hereditary cancer-predisposing syndrome. Last evaluated: 2023-03-06. Review status: criteria provided, single submitter. Criteria: ACMG Guidelines, 2015. Collection method: clinical testing. Allele origin: germline.
Comment: This missense variant replaces isoleucine with valine at codon 247 of the BRCA2 protein. Computational prediction suggests that this variant may not impact protein structure and function (internally defined REVEL score threshold <= 0.5, PMID: 27666373). To our knowledge, functional studies have not been reported for this variant. This variant has not been reported in individuals affected with BRCA2-related disorders in the literature. This variant has not been identified in the general population by the Genome Aggregation Database (gnomAD). The available evidence is insufficient to determine the role of this variant in disease conclusively. Therefore, this variant is classified as a Variant of Uncertain Significance.